The following is an entry in ClinVar:

NM_001242896.3(DEPDC5):c.4204-1G>A

Gene: DEPDC5 (DEP domain containing 5, GATOR1 subcomplex subunit; plus strand). Cytogenetic location: 22q12.3.
Variant type: single nucleotide variant.
Coding change: c.4204-1G>A on transcript NM_001242896.3 (MANE Select); the canonical splice acceptor site of the intron before coding-DNA position 4204, G replaced by A.
Molecular consequence: splice acceptor variant.
Genome position (GRCh38, 1-based): chr22:31,897,481, G>A. VCF-style: chr22-31897481-G-A. GRCh37 (hg19) VCF-style: chr22-32293467-G-A.
Other names: c.4204-1G>A (NM_001364318.2); c.4177-1G>A (NM_001136029.4); c.4111-1G>A (NM_014662.6, NM_001369903.1); c.4138-1G>A (NM_001363852.2, NM_001364320.2); c.3970-1G>A (NM_001363854.2, NM_001364319.2); c.3904-1G>A (NM_001242897.2); c.4120-1G>A (NM_001369902.1, NM_001369901.1).
Identifiers: ClinVar variation 2810093 (VCV002810093.3), dbSNP rs2523314003, ClinGen allele CA411287998.

ClinVar aggregate classification (germline): Likely pathogenic (1 of 4 stars; one submission).

Conditions:
Familial focal epilepsy with variable foci (FPEVF). Identifiers: Orphanet 98820, MedGen C1858477, MONDO:0020310.

Submission:

Labcorp Genetics (formerly Invitae), Labcorp
Classification: Likely pathogenic for Familial focal epilepsy with variable foci. Last evaluated: 2022-11-03. Review status: criteria provided, single submitter. Criteria: Invitae Variant Classification Sherloc (09022015). Collection method: clinical testing. Allele origin: germline.
Comment: Disruption of this splice site has been observed in individual(s) with clinical features of autosomal dominant DEPDC5-related conditions (Invitae). This sequence change affects an acceptor splice site in intron 39 of the DEPDC5 gene. It is expected to disrupt RNA splicing. Variants that disrupt the donor or acceptor splice site typically lead to a loss of protein function (PMID: 16199547), and loss-of-function variants in DEPDC5 are known to be pathogenic (PMID: 23542697, 23542701). This variant is not present in population databases (gnomAD no frequency). Algorithms developed to predict the effect of sequence changes on RNA splicing suggest that this variant may disrupt the consensus splice site. In summary, the currently available evidence indicates that the variant is pathogenic, but additional data are needed to prove that conclusively. Therefore, this variant has been classified as Likely Pathogenic.

Literature cited by the submitters: PubMed 16199547; PubMed 23542697; PubMed 23542701.